The following is an entry in ClinVar:

ClinVar aggregate classification (germline): Likely benign (1 of 4 stars; one submission).

Submission:

GeneDx
Classification: Likely benign. Last evaluated: 2021-11-13. Review status: criteria provided, single submitter. Criteria: GeneDx Variant Classification Process June 2021. Collection method: clinical testing. Allele origin: germline. Affected: yes.
Comment: See Variant Classification Assertion Criteria.

NM_003242.6(TGFBR2):c.*312AT[11]

Gene: TGFBR2 (transforming growth factor beta receptor 2; plus strand). Cytogenetic location: 3p24.1.
Variant type: Microsatellite.
Coding change: c.*312AT[11] on transcript NM_003242.6 (MANE Select); 11 copies in a row of the 2-base unit AT starting at c.*312; the reference has nine copies in a row; two copies, 4 bases duplicated.
Molecular consequence: 3 prime UTR variant.
Genome position (GRCh38, 1-based): chr3:30,691,925-30,691,928, ATAT duplicated; duplicating any 4 consecutive bases within chr3:30,691,910-30,691,928 gives the same sequence; the position shown is the placement nearest the transcript's 3' end. VCF-style (leftmost placement, unchanged base first): chr3-30691909-T-TTATA. GRCh37 (hg19) VCF-style: chr3-30733401-T-TTATA.
Other names: c.*312_*313AT[11] (NM_001024847.3, NM_001407126.1, NM_001407127.1 and 11 more transcripts).
Identifiers: ClinVar variation 344669 (VCV000344669.7), dbSNP rs4016180, ClinGen allele CA10618393.